The following is an entry in ClinVar:

NM_000524.4(HTR1A):c.858T>C (p.Asp286=)

Gene: HTR1A (5-hydroxytryptamine receptor 1A; minus strand). Cytogenetic location: 5q12.3.
Variant type: single nucleotide variant.
Coding change: c.858T>C on transcript NM_000524.4 (MANE Select); coding-DNA position 858, T replaced by C.
Protein change: p.Asp286=; no amino-acid change (aspartic acid 286 retained).
Molecular consequence: synonymous variant.
Genome position (GRCh38, 1-based): chr5:63,960,862, A>G on the plus strand (T>C on the coding strand, the complement: HTR1A is on the minus strand). VCF-style: chr5-63960862-A-G. GRCh37 (hg19) VCF-style: chr5-63256689-A-G.
Identifiers: ClinVar variation 2655490 (VCV002655490.24), dbSNP rs199635945, ClinGen allele CA3280827.

ClinVar aggregate classification (germline): Likely benign (1 of 4 stars; one submission).

Allele frequency attached by ClinVar (database versions not stated): ExAC 0.00065; 1000 Genomes Project 30x 0.00094; 1000 Genomes Project 0.00120.
gnomAD v4.1: 505 of 1,614,074 alleles (0.031%); highest among the groups gnomAD compares: South Asian, 0.38%; 8 homozygotes.

Submission:

CeGaT Center for Human Genetics Tuebingen
Classification: Likely benign. Last evaluated: 2023-05-01. Review status: criteria provided, single submitter. Criteria: CeGaT Center For Human Genetics Tuebingen Variant Classification Criteria Version 2. Collection method: clinical testing. Allele origin: germline. Affected: yes. Observed: 1 variant allele.
Comment: HTR1A: BP4, BP7, BS2